The following is an entry in ClinVar:

NC_000006.11:g.(?_42666033)_(42666265_?)del

Gene: PRPH2 (peripherin 2; minus strand). Cytogenetic location: 6p21.1.
Variant type: Deletion.
Identifiers: ClinVar variation 1458700 (VCV001458700.5).

ClinVar aggregate classification (germline): Pathogenic (1 of 4 stars; one submission).

Conditions:
PRPH2-related disorder. Also called: PRPH2-related condition; PRPH2-related disorders. Identifiers: MedGen CN239395.

Submission:

Labcorp Genetics (formerly Invitae), Labcorp
Classification: Pathogenic for PRPH2-related disorder. Last evaluated: 2022-03-04. Review status: criteria provided, single submitter. Criteria: Invitae Variant Classification Sherloc (09022015). Collection method: clinical testing. Allele origin: germline.
Comment: For these reasons, this variant has been classified as Pathogenic. This variant disrupts a region of the PRPH2 protein in which other variant(s) (p.Ser301Argfs*22) have been determined to be pathogenic (Invitae). This suggests that this is a clinically significant region of the protein, and that variants that disrupt it are likely to be disease-causing. This variant has not been reported in the literature in individuals affected with PRPH2-related conditions. This variant is a gross deletion of the genomic region encompassing exon(s) 3 of the PRPH2 gene, which includes the termination codon. This deletion extends beyond the assayed region for this gene and therefore may encompass additional genes. While this deletion is not anticipated to lead to nonsense mediated decay, it is expected to alter mRNA translation or result in a truncated protein product.